The following is an entry in ClinVar:

NM_001360016.2(G6PD):c.1187C>G (p.Pro396Arg)

Gene: G6PD (glucose-6-phosphate dehydrogenase; minus strand). Cytogenetic location: Xq28.
Variant type: single nucleotide variant.
Coding change: c.1187C>G on transcript NM_001360016.2 (MANE Select); coding-DNA position 1187, C replaced by G.
Protein change: p.Pro396Arg; replaces proline 396 with arginine.
Molecular consequence: missense variant.
Genome position (GRCh38, 1-based): chrX:154,532,667, G>C on the plus strand (C>G on the coding strand, the complement: G6PD is on the minus strand). VCF-style: chrX-154532667-G-C. GRCh37 (hg19) VCF-style: chrX-153760882-G-C.
Other names: c.1277C>G, p.Pro426Arg (NM_000402.4); c.1187C>G, p.Pro396Arg (NM_001042351.3); short protein forms P396R, P426R.
Identifiers: ClinVar variation 987108 (VCV000987108.4), dbSNP rs1557229683, ClinGen allele CA415234033.

ClinVar aggregate classification (germline): Pathogenic/Likely pathogenic. Review status: criteria provided, multiple submitters, no conflicts (2 of 4 stars). 2 submissions from 2 submitters: Pathogenic (1); Likely pathogenic (1). Last evaluated 2022-08-12.

Conditions:
Anemia, nonspherocytic hemolytic, due to G6PD deficiency (CNSHA1). Also called: Hemolytic anemia due to G6PD deficiency; Class I glucose-6-phosphate dehydrogenase deficiency; Favism, susceptibility to; ANEMIA, CONGENITAL, NONSPHEROCYTIC HEMOLYTIC, 1. Identifiers: Orphanet 466026, MedGen C2720289, MONDO:0010480, OMIM 300908.

Submissions (2):

Dunham Lab, University of Washington
Classification: Pathogenic for Anemia, nonspherocytic hemolytic, due to G6PD deficiency. Last evaluated: 2022-08-12. Review status: criteria provided, single submitter. Criteria: Bayesian ACMG Guidelines, 2018. Collection method: curation. Allele origin: de novo. Affected: yes.
Comment: Variant not detected in either parent, so assumed de novo (PM6). Decreased activity in red blood cells (1-3%) (PS3). Predicted to be damaging or deleterious by multiple computational algorithms (PP3). Within dimer interface (PM1). Not found in gnomAD (PM2). Post_P 0.999 (odds of pathogenicity 6568, Prior_P 0.1).

Institute of Medical Genetics and Applied Genomics, University Hospital Tübingen
Classification: Likely pathogenic. Last evaluated: 2020-10-23. Review status: criteria provided, single submitter. Criteria: ACMG Guidelines, 2015. Collection method: clinical testing. Allele origin: germline. Inheritance: Unknown mechanism. Affected: yes.

Literature cited by the submitters: PubMed 26275698 (cited by Dunham Lab, University of Washington); PubMed 28028996 (cited by Dunham Lab, University of Washington); PubMed 31294066 (cited by Dunham Lab, University of Washington).